The following is an entry in ClinVar:

ClinVar aggregate classification (germline): Uncertain significance (1 of 4 stars; one submission).

Conditions:
Arrhythmogenic right ventricular dysplasia 13. Also called: ARRHYTHMOGENIC RIGHT VENTRICULAR CARDIOMYOPATHY 13; Arrhythmogenic right ventricular dysplasia, familial, 13. Identifiers: MedGen C3810138, MONDO:0000908, OMIM 615616.

Submission:

Labcorp Genetics (formerly Invitae), Labcorp
Classification: Uncertain significance for Arrhythmogenic right ventricular dysplasia 13. Last evaluated: 2024-12-22. Review status: criteria provided, single submitter. Criteria: Invitae Variant Classification Sherloc (09022015). Collection method: clinical testing. Allele origin: germline.
Comment: This sequence change falls in intron 3 of the CTNNA3 gene. It does not directly change the encoded amino acid sequence of the CTNNA3 protein. Information on the frequency of this variant in the gnomAD database is not available, as this variant may be reported differently in the database. This variant has not been reported in the literature in individuals affected with CTNNA3-related conditions. In summary, the available evidence is currently insufficient to determine the role of this variant in disease. Therefore, it has been classified as a Variant of Uncertain Significance.

NM_013266.4(CTNNA3):c.292+12_292+13delinsGG

Gene: CTNNA3 (catenin alpha 3; minus strand). Cytogenetic location: 10q21.3.
Variant type: Indel.
Coding change: c.292+12_292+13delinsGG on transcript NM_013266.4 (MANE Select); bases 12 to 13 of the intron after coding-DNA position 292, AA replaced by GG.
Molecular consequence: intron variant.
Genome position (GRCh38, 1-based): chr10:67,606,844-67,606,845, TT replaced by CC on the plus strand (AA replaced by GG on the coding strand, the reverse complement: CTNNA3 is on the minus strand). VCF-style: chr10-67606844-TT-CC. GRCh37 (hg19) VCF-style: chr10-69366602-TT-CC.
Other names: c.292+12_292+13delinsGG (NM_001127384.3); c.328+12_328+13delinsGG (NM_001291133.2).
Identifiers: ClinVar variation 3727764 (VCV003727764.2).
Genomic context (GRCh38, chr10:67,606,844, plus strand): 5'-TCACAAATCTAATTTGGGTGACTAACACCCTAAAGATATGCAGTTTGCTCCTGACCAGGA[TT>CC]GGAGTACTCACTTTCTTTGCGAACTTCCTCAAGTGAAGCCGTAAGCTCATCCTTTAAAAC-3'